The following is an entry in ClinVar:

NM_000038.6(APC):c.1398G>A (p.Met466Ile)

Gene: APC (APC regulator of Wnt signaling pathway; plus strand). Cytogenetic location: 5q22.2.
Variant type: single nucleotide variant.
Coding change: c.1398G>A on transcript NM_000038.6 (MANE Select); coding-DNA position 1398, G replaced by A.
Protein change: p.Met466Ile; replaces methionine 466 with isoleucine.
Molecular consequence: missense variant.
Genome position (GRCh38, 1-based): chr5:112,821,981, G>A. VCF-style: chr5-112821981-G-A. GRCh37 (hg19) VCF-style: chr5-112157678-G-A.
Other names: c.1398G>A, p.Met466Ile (NM_001127510.3, NM_001354895.2, NM_001354896.2); c.1344G>A, p.Met448Ile (NM_001127511.3); c.1428G>A, p.Met476Ile (NM_001354897.2); c.1323G>A, p.Met441Ile (NM_001354898.2); c.1314G>A, p.Met438Ile (NM_001354899.2); c.1221G>A, p.Met407Ile (NM_001354900.2, NM_001354901.2); c.1125G>A, p.Met375Ile (NM_001354902.2); c.1095G>A, p.Met365Ile (NM_001354903.2); and 3 more; short protein forms M448I, M466I, M407I, M476I, M365I, M183I, M306I, M340I.
Identifiers: ClinVar variation 236559 (VCV000236559.27), dbSNP rs878853417, ClinGen allele CA10582288.

ClinVar aggregate classification (germline): Uncertain significance. Review status: criteria provided, multiple submitters, no conflicts (2 of 4 stars). 8 submissions from 8 submitters: Uncertain significance (8). Last evaluated 2025-11-02.

Conditions:
APC-Associated Polyposis Disorders.
Classic or attenuated familial adenomatous polyposis. Identifiers: MedGen CN372698, MONDO:0021057.
Hereditary cancer-predisposing syndrome. Also called: Hereditary neoplastic syndrome; Hereditary Cancer Syndrome; Neoplastic Syndromes, Hereditary; Tumor predisposition. Identifiers: Orphanet 140162, MedGen C0027672, MeSH D009386, MONDO:0015356.
Familial adenomatous polyposis 1 (FAP1). Also called: FAMILIAL ADENOMATOUS POLYPOSIS 1, ATTENUATED; POLYPOSIS, ADENOMATOUS INTESTINAL. Identifiers: MedGen C2713442, MONDO:0021056, OMIM 175100. Disease mechanism: loss of function.

Allele frequency attached by ClinVar (database versions not stated): gnomAD exomes below 0.00001 and 0.00001.
gnomAD v4.1: 8 of 1,608,458 alleles (0.0005%); highest among the groups gnomAD compares: Non-Finnish European, 0.00068%; no homozygotes.

Submissions (8):

Labcorp Genetics (formerly Invitae), Labcorp
Classification: Uncertain significance for Familial adenomatous polyposis 1. Last evaluated: 2025-11-02. Review status: criteria provided, single submitter. Criteria: Invitae Variant Classification Sherloc (09022015). Collection method: clinical testing. Allele origin: germline.
Comment: This sequence change replaces methionine, which is neutral and non-polar, with isoleucine, which is neutral and non-polar, at codon 466 of the APC protein (p.Met466Ile). This variant is present in population databases (no rsID available, gnomAD 0.0009%). This variant has not been reported in the literature in individuals affected with APC-related conditions. ClinVar contains an entry for this variant (Variation ID: 236559). Invitae Evidence Modeling of protein sequence and biophysical properties (such as structural, functional, and spatial information, amino acid conservation, physicochemical variation, residue mobility, and thermodynamic stability) indicates that this missense variant is not expected to disrupt APC protein function with a negative predictive value of 95%. In summary, the available evidence is currently insufficient to determine the role of this variant in disease. Therefore, it has been classified as a Variant of Uncertain Significance.

Quest Diagnostics Nichols Institute San Juan Capistrano
Classification: Uncertain significance. Last evaluated: 2025-06-04. Review status: criteria provided, single submitter. Criteria: Quest Diagnostics criteria. Collection method: clinical testing. Allele origin: unknown.
Comment: The APC c.1398G>A (p.Met466Ile) variant has not been reported in individuals with APC-related conditions in the published literature. The frequency of this variant in the general population (Genome Aggregation Database) is uninformative in the assessment of its pathogenicity. Analysis of this variant using bioinformatics tools for the prediction of the effect of amino acid changes on protein structure and function yielded conflicting predictions that this variant is deleterious or benign. Based on the available information, we are unable to determine the clinical significance of this variant.

Ambry Genetics
Classification: Uncertain significance for Hereditary cancer-predisposing syndrome. Last evaluated: 2024-12-16. Review status: criteria provided, single submitter. Criteria: Ambry Variant Classification Scheme 2023. Collection method: clinical testing. Allele origin: germline.
Comment: The p.M466I variant (also known as c.1398G>A), located in coding exon 10 of the APC gene, results from a G to A substitution at nucleotide position 1398. The methionine at codon 466 is replaced by isoleucine, an amino acid with highly similar properties. This amino acid position is highly conserved in available vertebrate species. In addition, in silico predictors for this gene do not accurately predict pathogenicity. Missense alterations in APC are not a common cause of disease (Spier I et al. Genet Med. 2024 Feb;26(2):100992). Based on the available evidence, the clinical significance of this variant remains unclear.

All of Us Research Program, National Institutes of Health
Classification: Uncertain significance for Classic or attenuated familial adenomatous polyposis. Last evaluated: 2024-08-13. Review status: criteria provided, single submitter. Criteria: ACMG Guidelines, 2015. Collection method: clinical testing. Allele origin: germline. Inheritance: Autosomal dominant inheritance. Observed: 2 variant alleles, 2 heterozygotes.
Comment: This missense variant replaces methionine with isoleucine at codon 466 of the APC protein. Computational prediction suggests that this variant may not impact protein structure and function (internally defined REVEL score threshold <= 0.5, PMID: 27666373). To our knowledge, functional studies have not been reported for this variant. This variant has not been reported in individuals affected with APC-related disorders in the literature. This variant has been identified in 1/250146 chromosomes in the general population by the Genome Aggregation Database (gnomAD). The available evidence is insufficient to determine the role of this variant in disease conclusively. Therefore, this variant is classified as a Variant of Uncertain Significance.

This study involves interpretation of variants in research participants for the purpose of population health screening. Participant phenotype was not available at the time of variant classification. Additional details can be found in publication PMID: 35346344, PMCID: PMC8962531

Color Diagnostics, LLC DBA Color Health
Classification: Uncertain significance for Hereditary cancer-predisposing syndrome. Last evaluated: 2024-07-24. Review status: criteria provided, single submitter. Criteria: ACMG Guidelines, 2015. Collection method: clinical testing. Allele origin: germline.
Comment: This missense variant replaces methionine with isoleucine at codon 466 of the APC protein. Computational prediction suggests that this variant may not impact protein structure and function (internally defined REVEL score threshold <= 0.5, PMID: 27666373). To our knowledge, functional studies have not been reported for this variant. This variant has not been reported in individuals affected with APC-related disorders in the literature. This variant has been identified in 1/250146 chromosomes in the general population by the Genome Aggregation Database (gnomAD). The available evidence is insufficient to determine the role of this variant in disease conclusively. Therefore, this variant is classified as a Variant of Uncertain Significance.

Baylor Genetics
Classification: Uncertain significance for Familial adenomatous polyposis 1. Last evaluated: 2023-10-06. Review status: criteria provided, single submitter. Criteria: ACMG Guidelines, 2015. Collection method: clinical testing. Allele origin: unknown.

Department of Pathology and Laboratory Medicine, Sinai Health System
Classification: Uncertain significance for classic or attenuated familial adenomatous polyposis. Last evaluated: 2022-06-28. Review status: criteria provided, single submitter. Criteria: ACMG Guidelines, 2015. Collection method: clinical testing. Allele origin: germline. Affected: yes.

Illumina Laboratory Services, Illumina
Classification: Uncertain significance for APC-Associated Polyposis Disorders. Last evaluated: 2018-01-13. Review status: criteria provided, single submitter. Criteria: ICSL Variant Classification Criteria 13 December 2019. Collection method: clinical testing. Allele origin: germline.